The following is an entry in ClinVar:

NM_000132.4(F8):c.359T>C (p.Val120Ala)

Gene: F8 (coagulation factor VIII; minus strand). Cytogenetic location: Xq28.
Variant type: single nucleotide variant.
Coding change: c.359T>C on transcript NM_000132.4 (MANE Select); coding-DNA position 359, T replaced by C.
Protein change: p.Val120Ala; replaces valine 120 with alanine.
Molecular consequence: missense variant.
Genome position (GRCh38, 1-based): chrX:154,997,002, A>G on the plus strand (T>C on the coding strand, the complement: F8 is on the minus strand). VCF-style: chrX-154997002-A-G. GRCh37 (hg19) VCF-style: chrX-154225277-A-G.
Other names: short protein forms V120A.
Identifiers: ClinVar variation 618099 (VCV000618099.9), dbSNP rs1569560006, ClinGen allele CA414919929.
Genomic context (GRCh38, chrX:154,997,002, plus strand): 5'-TGACAGGACAATAGGAGGGTATTTTACTCACCCTCAGAAGCTTTCCAGTAGGATACACCA[A>G]CAGCATGAAGACTGACAGGATGGGAAGCCATGTTCTTAAGTGTAATGACCACTGTATCAT-3'
Protein context (NP_000123.1, residues 110-130): MASHPVSLHA[Val120Ala]GVSYWKASEG

ClinVar aggregate classification (germline): Uncertain significance. Review status: criteria provided, multiple submitters, no conflicts (2 of 4 stars). 2 submissions from 2 submitters: Uncertain significance (2). Last evaluated 2026-02-20.

Allele frequency attached by ClinVar (database versions not stated): TOPMed 0.00002.

Submissions (2):

Women's Health and Genetics/Laboratory Corporation of America, LabCorp
Classification: Uncertain significance. Last evaluated: 2026-02-20. Review status: criteria provided, single submitter. Criteria: LabCorp Variant Classification Summary - May 2015. Collection method: clinical testing. Allele origin: germline.
Comment: Variant summary: F8 c.359T>C (p.Val120Ala) results in a non-conservative amino acid change in the encoded protein sequence. Algorithms developed to predict the effect of missense changes on protein structure and function are either unavailable or do not agree on the potential impact of this missense change. The frequency data for this variant in gnomAD is considered unreliable, as metrics indicate poor data quality at this position. c.359T>C has been observed in individual(s) affected with Factor VIII Deficiency (Hemophilia A)(e.g. Rydz_2013). These report(s) do not provide unequivocal conclusions about association of the variant with Factor VIII Deficiency (Hemophilia A). To our knowledge, no experimental evidence demonstrating an impact on protein function has been reported. The following publications have been ascertained in the context of this evaluation (PMID: 19473423, 23913812). ClinVar contains an entry for this variant (Variation ID: 618099). Based on the evidence outlined above, the variant was classified as uncertain significance.

ARUP Laboratories, Molecular Genetics and Genomics, ARUP Laboratories
Classification: Uncertain significance. Last evaluated: 2017-07-25. Review status: criteria provided, single submitter. Criteria: ARUP Molecular Germline Variant Investigation Process. Collection method: clinical testing. Allele origin: germline.
Comment: The F8 c.359T>C;p.Val120Ala variant has not been published in an affected individual in the medical literature or the ClinVar database, but is listed in a gene-specific database (see link below). The variant is not listed in the dbSNP variant database or the general population-based databases. The amino acid at this position is moderately conserved across species and computational algorithms (AlignGVGD, SIFT, MutationTaster) predict this variant is deleterious. However, without additional information, it is uncertain if this variant is benign or pathogenic. References: Link to FVIII database

Literature cited by the submitters: PubMed 19473423 (cited by Women's Health and Genetics/Laboratory Corporation of America, LabCorp); PubMed 23913812 (cited by Women's Health and Genetics/Laboratory Corporation of America, LabCorp).